The following is an entry in ClinVar:

ClinVar aggregate classification (germline): Uncertain significance (1 of 4 stars; one submission).

Conditions:
RYR1-related disorder. Also called: RYR1-related condition; RYR1-related disorders. Identifiers: MedGen CN239331.

Allele frequency attached by ClinVar (database versions not stated): gnomAD exomes below 0.00001.

Submission:

Labcorp Genetics (formerly Invitae), Labcorp
Classification: Uncertain significance for RYR1-related disorder. Last evaluated: 2023-07-30. Review status: criteria provided, single submitter. Criteria: Invitae Variant Classification Sherloc (09022015). Collection method: clinical testing. Allele origin: germline.
Comment: In summary, the available evidence is currently insufficient to determine the role of this variant in disease. Therefore, it has been classified as a Variant of Uncertain Significance. Experimental studies and prediction algorithms are not available or were not evaluated, and the functional significance of this variant is currently unknown. This variant has not been reported in the literature in individuals affected with RYR1-related conditions. This variant is not present in population databases (gnomAD no frequency). This variant, c.12531_12557dup, results in the insertion of 9 amino acid(s) of the RYR1 protein (p.Gly4178_Ser4186dup), but otherwise preserves the integrity of the reading frame.

NM_000540.3(RYR1):c.12531_12557dup (p.Ser4186_Arg4187insGlyArgIleGluIleMetGlyAlaSer)

Gene: RYR1 (ryanodine receptor 1; plus strand). Cytogenetic location: 19q13.2.
Variant type: Duplication.
Coding change: c.12531_12557dup on transcript NM_000540.3 (MANE Select); coding-DNA positions 12531 to 12557, 27 bases duplicated (GGGCCGCATCGAGATCATGGGCGCGTC).
Protein change: p.Ser4186_Arg4187insGlyArgIleGluIleMetGlyAlaSer.
Molecular consequence: inframe insertion.
Genome position (GRCh38, 1-based): chr19:38,561,361-38,561,387, GGGCCGCATCGAGATCATGGGCGCGTC duplicated. VCF-style (leftmost placement, unchanged base first): chr19-38561360-T-TGGGCCGCATCGAGATCATGGGCGCGTC. GRCh37 (hg19) VCF-style: chr19-39052000-T-TGGGCCGCATCGAGATCATGGGCGCGTC.
Other names: c.12516_12542dup, p.Ser4181_Arg4182insGlyArgIleGluIleMetGlyAlaSer (NM_001042723.2).
Identifiers: ClinVar variation 2844985 (VCV002844985.3), dbSNP rs2514653869, ClinGen allele CA2584908838.